The following is an entry in ClinVar:

NM_000632.4(ITGAM):c.1083+5G>C

Gene: ITGAM (integrin subunit alpha M; plus strand). Cytogenetic location: 16p11.2.
Variant type: single nucleotide variant.
Coding change: c.1083+5G>C on transcript NM_000632.4 (MANE Select); 5 bases into the intron after coding-DNA position 1083, G replaced by C.
Molecular consequence: intron variant.
Genome position (GRCh38, 1-based): chr16:31,276,749, G>C. VCF-style: chr16-31276749-G-C. GRCh37 (hg19) VCF-style: chr16-31288070-G-C.
Other names: c.1083+5G>C (NM_001145808.2).
Identifiers: ClinVar variation 3711257 (VCV003711257.2).

ClinVar aggregate classification (germline): Uncertain significance (1 of 4 stars; one submission).

Submission:

Labcorp Genetics (formerly Invitae), Labcorp
Classification: Uncertain significance. Last evaluated: 2024-05-10. Review status: criteria provided, single submitter. Criteria: Invitae Variant Classification Sherloc (09022015). Collection method: clinical testing. Allele origin: germline.
Comment: This sequence change falls in intron 10 of the ITGAM gene. It does not directly change the encoded amino acid sequence of the ITGAM protein. It affects a nucleotide within the consensus splice site. This variant is not present in population databases (gnomAD no frequency). This variant has not been reported in the literature in individuals affected with ITGAM-related conditions. Variants that disrupt the consensus splice site are a relatively common cause of aberrant splicing (PMID: 17576681, 9536098). Algorithms developed to predict the effect of sequence changes on RNA splicing suggest that this variant may disrupt the consensus splice site. In summary, the available evidence is currently insufficient to determine the role of this variant in disease. Therefore, it has been classified as a Variant of Uncertain Significance.

Literature cited by the submitters: PubMed 17576681; PubMed 9536098.